The following is an entry in ClinVar:

ClinVar aggregate classification (germline): Uncertain significance. Review status: criteria provided, multiple submitters, no conflicts (2 of 4 stars). 3 submissions from 3 submitters: Uncertain significance (3). Last evaluated 2025-04-11.

Conditions:
Retinitis pigmentosa 81 (RP81). Identifiers: MedGen C4693443, MONDO:0036482, OMIM 617871.

Allele frequency attached by ClinVar (database versions not stated): gnomAD 0.00001; TOPMed 0.00002; gnomAD exomes 0.00006; ExAC 0.00009.
gnomAD v4.1: 57 of 1,613,866 alleles (0.0035%); highest among the groups gnomAD compares: South Asian, 0.036%; 1 homozygote.

Submissions (3):

Ambry Genetics
Classification: Uncertain significance. Last evaluated: 2025-04-11. Review status: criteria provided, single submitter. Criteria: Ambry Variant Classification Scheme 2023. Collection method: clinical testing. Allele origin: germline.

Labcorp Genetics (formerly Invitae), Labcorp
Classification: Uncertain significance. Last evaluated: 2022-03-18. Review status: criteria provided, single submitter. Criteria: Invitae Variant Classification Sherloc (09022015). Collection method: clinical testing. Allele origin: germline.
Comment: This sequence change replaces glycine, which is neutral and non-polar, with serine, which is neutral and polar, at codon 73 of the IFT43 protein (p.Gly73Ser). This variant is present in population databases (rs756700836, gnomAD 0.03%). This variant has not been reported in the literature in individuals affected with IFT43-related conditions. ClinVar contains an entry for this variant (Variation ID: 1301797). Algorithms developed to predict the effect of missense changes on protein structure and function (SIFT, PolyPhen-2, Align-GVGD) all suggest that this variant is likely to be tolerated. In summary, the available evidence is currently insufficient to determine the role of this variant in disease. Therefore, it has been classified as a Variant of Uncertain Significance.

Dubai Health Genomic Medicine Center, Dubai Health
Classification: Uncertain significance for Retinitis pigmentosa 81. Last evaluated: 2020-07-01. Review status: criteria provided, single submitter. Criteria: ACMG Guidelines, 2015. Collection method: clinical testing. Allele origin: germline. Affected: yes.

NM_001102564.3(IFT43):c.296-5697G>A

Gene: IFT43 (intraflagellar transport 43; plus strand). Cytogenetic location: 14q24.3.
Variant type: single nucleotide variant.
Coding change: c.296-5697G>A on transcript NM_001102564.3 (MANE Select); 5697 bases into the intron before coding-DNA position 296, G replaced by A.
Molecular consequence: intron variant. On other transcripts: missense variant (1).
Genome position (GRCh38, 1-based): chr14:76,076,598, G>A. VCF-style: chr14-76076598-G-A. GRCh37 (hg19) VCF-style: chr14-76542941-G-A.
Other names: c.217G>A, p.Gly73Ser (NM_052873.3); short protein forms G73S.
Identifiers: ClinVar variation 1301797 (VCV001301797.5), dbSNP rs756700836, ClinGen allele CA7280786.